The following is an entry in ClinVar:

NM_020297.4(ABCC9):c.1022C>T (p.Thr341Ile)

Gene: ABCC9 (ATP binding cassette subfamily C member 9; minus strand). Cytogenetic location: 12p12.1.
Variant type: single nucleotide variant.
Coding change: c.1022C>T on transcript NM_020297.4 (MANE Select); coding-DNA position 1022, C replaced by T.
Protein change: p.Thr341Ile; replaces threonine 341 with isoleucine.
Molecular consequence: missense variant.
Genome position (GRCh38, 1-based): chr12:21,910,968, G>A on the plus strand (C>T on the coding strand, the complement: ABCC9 is on the minus strand). VCF-style: chr12-21910968-G-A. GRCh37 (hg19) VCF-style: chr12-22063902-G-A.
Other names: c.1022C>T, p.Thr341Ile (NM_001377273.1, NM_005691.4); c.158C>T, p.Thr53Ile (NM_001377274.1); short protein forms T341I, T53I.
Identifiers: ClinVar variation 581460 (VCV000581460.8), dbSNP rs1565475592, ClinGen allele CA384120351.

ClinVar aggregate classification (germline): Uncertain significance (1 of 4 stars; one submission).

Conditions:
Dilated cardiomyopathy 1O (CMD1O). Also called: CARDIOMYOPATHY, DILATED, WITH VENTRICULAR TACHYCARDIA. Identifiers: Orphanet 154, MedGen C1837839, MONDO:0012062, OMIM 608569.

gnomAD v4.1: 1 of 1,611,956 alleles (0.000062%); highest among the groups gnomAD compares: Non-Finnish European, 0.000085%; no homozygotes.

Submission:

Labcorp Genetics (formerly Invitae), Labcorp
Classification: Uncertain significance for Dilated cardiomyopathy 1O. Last evaluated: 2018-05-30. Review status: criteria provided, single submitter. Criteria: Invitae Variant Classification Sherloc (09022015). Collection method: clinical testing. Allele origin: germline.
Comment: This sequence change replaces threonine with isoleucine at codon 341 of the ABCC9 protein (p.Thr341Ile). The threonine residue is weakly conserved and there is a moderate physicochemical difference between threonine and isoleucine. This variant is not present in population databases (ExAC no frequency). In summary, the available evidence is currently insufficient to determine the role of this variant in disease. Therefore, it has been classified as a Variant of Uncertain Significance. Algorithms developed to predict the effect of missense changes on protein structure and function output the following: SIFT: "Tolerated"; PolyPhen-2: "Benign"; Align-GVGD: "Class C0". The isoleucine amino acid residue is found in multiple mammalian species, suggesting that this missense change does not adversely affect protein function. These predictions have not been confirmed by published functional studies and their clinical significance is uncertain. This variant has not been reported in the literature in individuals with ABCC9-related disease.